The following is an entry in ClinVar:

NM_001371904.1(APOA5):c.106G>A (p.Gly36Arg)

Genes: APOA5 (apolipoprotein A5; minus strand), LOC108491825 (enhancer-blocking element 11-1-2 overlapping APOA5; plus strand). Cytogenetic location: 11q23.3.
Variant type: single nucleotide variant.
Coding change: c.106G>A on transcript NM_001371904.1 (MANE Select); coding-DNA position 106, G replaced by A.
Protein change: p.Gly36Arg; replaces glycine 36 with arginine.
Molecular consequence: missense variant.
Genome position (GRCh38, 1-based): chr11:116,791,641, C>T on the plus strand (G>A on the coding strand, the complement: APOA5 is on the minus strand). VCF-style: chr11-116791641-C-T. GRCh37 (hg19) VCF-style: chr11-116662357-C-T.
Other names: c.106G>A, p.Gly36Arg (NM_001166598.2, NM_052968.5); short protein forms G36R.
Identifiers: ClinVar variation 3715952 (VCV003715952.2).

ClinVar aggregate classification (germline): Uncertain significance (1 of 4 stars; one submission).

Submission:

Labcorp Genetics (formerly Invitae), Labcorp
Classification: Uncertain significance. Last evaluated: 2025-06-12. Review status: criteria provided, single submitter. Criteria: Invitae Variant Classification Sherloc (09022015). Collection method: clinical testing. Allele origin: germline.
Comment: This sequence change replaces glycine, which is neutral and non-polar, with arginine, which is basic and polar, at codon 36 of the APOA5 protein (p.Gly36Arg). This variant is not present in population databases (gnomAD no frequency). This variant has not been reported in the literature in individuals affected with APOA5-related conditions. ClinVar contains an entry for this variant (Variation ID: 3715952). An algorithm developed to predict the effect of missense changes on protein structure and function outputs the following: PolyPhen-2: "Benign". The arginine amino acid residue is found in multiple mammalian species, which suggests that this missense change does not adversely affect protein function. In summary, the available evidence is currently insufficient to determine the role of this variant in disease. Therefore, it has been classified as a Variant of Uncertain Significance.